The following is an entry in ClinVar:

NM_032119.4(ADGRV1):c.8918A>G (p.Glu2973Gly)

Gene: ADGRV1 (adhesion G protein-coupled receptor V1; plus strand). Cytogenetic location: 5q14.3.
Variant type: single nucleotide variant.
Coding change: c.8918A>G on transcript NM_032119.4 (MANE Select); coding-DNA position 8918, A replaced by G.
Protein change: p.Glu2973Gly; replaces glutamic acid 2973 with glycine.
Molecular consequence: missense variant. On other transcripts: non-coding transcript variant (1).
Genome position (GRCh38, 1-based): chr5:90,711,198, A>G. VCF-style: chr5-90711198-A-G. GRCh37 (hg19) VCF-style: chr5-90007015-A-G.
Other names: short protein forms E2973G.
Identifiers: ClinVar variation 1499440 (VCV001499440.3), dbSNP rs768840634, ClinGen allele CA3340408.

ClinVar aggregate classification (germline): Uncertain significance (1 of 4 stars; one submission).

Allele frequency attached by ClinVar (database versions not stated): ExAC 0.00001.
gnomAD v4.1: 4 of 1,611,802 alleles (0.00025%); highest among the groups gnomAD compares: East Asian, 0.0089%; no homozygotes.

Submission:

Labcorp Genetics (formerly Invitae), Labcorp
Classification: Uncertain significance. Last evaluated: 2021-11-05. Review status: criteria provided, single submitter. Criteria: Invitae Variant Classification Sherloc (09022015). Collection method: clinical testing. Allele origin: germline.
Comment: This sequence change replaces glutamic acid, which is acidic and polar, with glycine, which is neutral and non-polar, at codon 2973 of the ADGRV1 protein (p.Glu2973Gly). This variant is not present in population databases (gnomAD no frequency). This missense change has been observed in individual(s) with clinical features of inherited retinal dystrophy (PMID: 31054281). Algorithms developed to predict the effect of missense changes on protein structure and function (SIFT, PolyPhen-2, Align-GVGD) all suggest that this variant is likely to be disruptive. In summary, the available evidence is currently insufficient to determine the role of this variant in disease. Therefore, it has been classified as a Variant of Uncertain Significance.

Literature cited by the submitters: PubMed 31054281.